The following is an entry in ClinVar:

ClinVar aggregate classification (germline): Uncertain significance (1 of 4 stars; one submission).

Conditions:
Multiple endocrine neoplasia type 4. Also called: MULTIPLE ENDOCRINE NEOPLASIA, TYPE IV. Identifiers: Orphanet 276152, MedGen C1970712, MONDO:0012552, OMIM 610755.

Submission:

Labcorp Genetics (formerly Invitae), Labcorp
Classification: Uncertain significance for Multiple endocrine neoplasia type 4. Last evaluated: 2021-04-13. Review status: criteria provided, single submitter. Criteria: Invitae Variant Classification Sherloc (09022015). Collection method: clinical testing. Allele origin: germline.
Comment: This variant is not present in population databases (ExAC no frequency). This variant has not been reported in the literature in individuals with CDKN1B-related conditions. In summary, the available evidence is currently insufficient to determine the role of this variant in disease. Therefore, it has been classified as a Variant of Uncertain Significance. Experimental studies and prediction algorithms are not available or were not evaluated, and the functional significance of this variant is currently unknown. This variant occurs in a non-coding region of the CDKN1B gene. It does not change the encoded amino acid sequence of the CDKN1B protein.

NM_004064.5(CDKN1B):c.*1dup (p.Ter199=)

Gene: CDKN1B (cyclin dependent kinase inhibitor 1B; plus strand). Cytogenetic location: 12p13.1.
Variant type: Duplication.
Coding change: c.*1dup on transcript NM_004064.5 (MANE Select); 1 bases downstream of the stop codon, one base duplicated (A; older notation c.*1dupA).
Protein change: p.Ter199=.
Molecular consequence: no sequence alteration.
Genome position (GRCh38, 1-based): chr12:12,718,947, A duplicated; the last of 3 consecutive A bases (chr12:12,718,945-12,718,947); duplicating any one gives the same sequence. VCF-style (leftmost placement, unchanged base first): chr12-12718944-T-TA. GRCh37 (hg19) VCF-style: chr12-12871878-T-TA.
Identifiers: ClinVar variation 1502282 (VCV001502282.6), dbSNP rs2136357503, ClinGen allele CA2573147869.